The following is an entry in ClinVar:

NM_001384474.1(LOXHD1):c.4126dup (p.Ile1376fs)

Gene: LOXHD1 (lipoxygenase homology PLAT domains 1; minus strand). Cytogenetic location: 18q21.1.
Variant type: Duplication.
Coding change: c.4126dup on transcript NM_001384474.1 (MANE Select); coding-DNA position 4126, one base duplicated (A; older notation c.4126dupA).
Protein change: p.Ile1376fs; shifts the reading frame from isoleucine 1376.
Molecular consequence: frameshift variant.
Genome position (GRCh38, 1-based): chr18:46,534,421, T duplicated on the plus strand (A on the coding strand, the reverse complement: LOXHD1 is on the minus strand); the first of 6 consecutive T bases (chr18:46,534,421-46,534,426); duplicating any one gives the same sequence. VCF-style (leftmost placement, unchanged base first): chr18-46534420-A-AT. GRCh37 (hg19) VCF-style: chr18-44114383-A-AT.
Other names: c.793dup, p.Ile265fs (NM_001145472.3); c.505dup, p.Ile169fs (NM_001308013.2); c.4126dup, p.Ile1376fs (NM_144612.7); c.4126dup (NM_144612.6); short protein forms I169fs, I1376fs, I265fs.
Identifiers: ClinVar variation 1417516 (VCV001417516.8), dbSNP rs2144280231, ClinGen allele CA2573155286.
Genomic context (GRCh38, chr18:46,534,420, plus strand): 5'-ATGTCCACGTGAGAGCAGTGCCACCCAGGATTCATGCCCGTGTTATTATGGCCAATCCGA[A>AT]TTTTTTCAATGATTTCTCCCACATCTTCTAACTTTGGAAAGGAGATAAGGCACTGAATGT-3'

ClinVar aggregate classification (germline): Pathogenic/Likely pathogenic. Review status: criteria provided, multiple submitters, no conflicts (2 of 4 stars). 2 submissions from 2 submitters: Pathogenic (1); Likely pathogenic (1). Last evaluated 2025-03-18.

Conditions:
Autosomal recessive nonsyndromic hearing loss 77. Identifiers: Orphanet 90636, MedGen C2746083, MONDO:0013119, OMIM 613079.

Submissions (2):

Natera, Inc.
Classification: Likely pathogenic for Autosomal recessive deafness type 77. Last evaluated: 2025-03-18. Review status: criteria provided, single submitter. Criteria: Natera Variant Classification Schema (03/2026). Collection method: clinical testing. Allele origin: germline.
Comment: The c.4126dup variant in LOXHD1 is a frameshift variant predicted to shift the reading frame beginning at codon 1376 and leads to a stop codon 6 codons downstream. This variant is expected to result in nonsense mediated decay, truncation, or a dysfunctional protein product. This variant is rare in the general population with a frequency below the threshold expected for the associated phenotype(s). Given the available evidence, this variant is classified as Likely Pathogenic.

Labcorp Genetics (formerly Invitae), Labcorp
Classification: Pathogenic. Last evaluated: 2021-05-04. Review status: criteria provided, single submitter. Criteria: Invitae Variant Classification Sherloc (09022015). Collection method: clinical testing. Allele origin: germline.
Comment: For these reasons, this variant has been classified as Pathogenic. This sequence change creates a premature translational stop signal (p.Ile1376Asnfs*6) in the LOXHD1 gene. It is expected to result in an absent or disrupted protein product. Loss-of-function variants in LOXHD1 are known to be pathogenic (PMID: 19732867, 21465660, 25792669). This variant is not present in population databases (ExAC no frequency). This variant has not been reported in the literature in individuals with LOXHD1-related conditions.

Literature cited by the submitters: PubMed 19732867 (cited by Labcorp Genetics (formerly Invitae), Labcorp); PubMed 21465660 (cited by Labcorp Genetics (formerly Invitae), Labcorp); PubMed 25792669 (cited by Labcorp Genetics (formerly Invitae), Labcorp).